The following is an entry in ClinVar:

ClinVar aggregate classification (germline): Uncertain significance. Review status: criteria provided, multiple submitters, no conflicts (2 of 4 stars). 2 submissions from 2 submitters: Uncertain significance (2). Last evaluated 2026-01-06.

Conditions:
Inborn genetic diseases. Identifiers: MedGen C0950123, MeSH D030342.
Fanconi anemia (FA). Also called: Fanconi's anemia. Identifiers: Orphanet 84, MedGen C0015625, MeSH D005199, MONDO:0019391.

Allele frequency attached by ClinVar (database versions not stated): gnomAD 0.00001.
gnomAD v4.1: 1 of 1,614,098 alleles (0.000062%); highest among the groups gnomAD compares: Non-Finnish European, 0.000085%; no homozygotes.

Submissions (2):

Ambry Genetics
Classification: Uncertain significance for Inborn genetic diseases. Last evaluated: 2026-01-06. Review status: criteria provided, single submitter. Criteria: Ambry Variant Classification Scheme 2023. Collection method: clinical testing. Allele origin: germline.
Comment: The p.W1063C variant (also known as c.3189G>T), located in coding exon 32 of the FANCA gene, results from a G to T substitution at nucleotide position 3189. The tryptophan at codon 1063 is replaced by cysteine, an amino acid with highly dissimilar properties. This amino acid position is conserved. In addition, this alteration is predicted to be tolerated by in silico analysis. Based on the available evidence, the clinical significance of this variant remains unclear.

Labcorp Genetics (formerly Invitae), Labcorp
Classification: Uncertain significance for Fanconi anemia. Last evaluated: 2022-04-24. Review status: criteria provided, single submitter. Criteria: Invitae Variant Classification Sherloc (09022015). Collection method: clinical testing. Allele origin: germline.
Comment: This sequence change replaces tryptophan, which is neutral and slightly polar, with cysteine, which is neutral and slightly polar, at codon 1063 of the FANCA protein (p.Trp1063Cys). This variant is not present in population databases (gnomAD no frequency). This variant has not been reported in the literature in individuals affected with FANCA-related conditions. Advanced modeling of protein sequence and biophysical properties (such as structural, functional, and spatial information, amino acid conservation, physicochemical variation, residue mobility, and thermodynamic stability) performed at Invitae indicates that this missense variant is not expected to disrupt FANCA protein function. In summary, the available evidence is currently insufficient to determine the role of this variant in disease. Therefore, it has been classified as a Variant of Uncertain Significance.

NM_000135.4(FANCA):c.3189G>T (p.Trp1063Cys)

Gene: FANCA (FA complementation group A; minus strand). Cytogenetic location: 16q24.3.
Variant type: single nucleotide variant.
Coding change: c.3189G>T on transcript NM_000135.4 (MANE Select); coding-DNA position 3189, G replaced by T.
Protein change: p.Trp1063Cys; replaces tryptophan 1063 with cysteine.
Molecular consequence: missense variant.
Genome position (GRCh38, 1-based): chr16:89,749,780, C>A on the plus strand (G>T on the coding strand, the complement: FANCA is on the minus strand). VCF-style: chr16-89749780-C-A. GRCh37 (hg19) VCF-style: chr16-89816188-C-A.
Other names: c.3189G>T, p.Trp1063Cys (NM_001286167.3); short protein forms W1063C.
Identifiers: ClinVar variation 2159057 (VCV002159057.2), dbSNP rs776391208, ClinGen allele CA397486519.